The following is an entry in ClinVar:

NM_173477.5(USH1G):c.717G>C (p.Lys239Asn)

Gene: USH1G (USH1 protein network component sans; minus strand). Cytogenetic location: 17q25.1.
Variant type: single nucleotide variant.
Coding change: c.717G>C on transcript NM_173477.5 (MANE Select); coding-DNA position 717, G replaced by C.
Protein change: p.Lys239Asn; replaces lysine 239 with asparagine.
Molecular consequence: missense variant.
Genome position (GRCh38, 1-based): chr17:74,920,119, C>G on the plus strand (G>C on the coding strand, the complement: USH1G is on the minus strand). VCF-style: chr17-74920119-C-G. GRCh37 (hg19) VCF-style: chr17-72916214-C-G.
Other names: c.408G>C, p.Lys136Asn (NM_001282489.3); c.717G>C (NM_173477.4); short protein forms K239N, K136N.
Identifiers: ClinVar variation 179451 (VCV000179451.42), dbSNP rs544952984, ClinGen allele CA184442.

ClinVar aggregate classification (germline): Conflicting classifications of pathogenicity. Review status: criteria provided, conflicting classifications (1 of 4 stars). 7 submissions from 7 submitters: Likely pathogenic (1); Uncertain significance (1); Benign (1); Likely benign (4). Last evaluated 2026-02-02.

Conditions:
USH1G-related disorder. Also called: USH1G-related condition; USH1G-related disorders.
Usher syndrome. Also called: Usher Syndromes; Usher's syndrome. Identifiers: Orphanet 886, MedGen CN469326, MeSH D052245, MONDO:0019501. Disease mechanism: loss of function.
Usher syndrome type 1G. Also called: USHER SYNDROME, TYPE IG, MILD. Identifiers: Orphanet 231169, Orphanet 886, MedGen C1847089, MONDO:0011748, OMIM 606943.

Allele frequency attached by ClinVar (database versions not stated): gnomAD below 0.00001 and 0.00007; TOPMed 0.00003; gnomAD exomes 0.00023 and 0.00045; 1000 Genomes Project 0.00040; ExAC 0.00044; 1000 Genomes Project 30x 0.00047.

Submissions (7):

Labcorp Genetics (formerly Invitae), Labcorp
Classification: Benign. Last evaluated: 2026-02-02. Review status: criteria provided, single submitter. Criteria: Invitae Variant Classification Sherloc (09022015). Collection method: clinical testing. Allele origin: germline.

PreventionGenetics, part of Exact Sciences
Classification: Likely benign for USH1G-related condition. Last evaluated: 2025-11-01. Review status: criteria provided, single submitter. Criteria: ACMG Guidelines, 2015. Collection method: clinical testing. Allele origin: germline.
Comment: This variant is classified as likely benign based on ACMG/AMP sequence variant interpretation guidelines (Richards et al. 2015 PMID: 25741868, with internal and published modifications).

Blueprint Genetics
Classification: Likely benign. Last evaluated: 2023-09-14. Review status: criteria provided, single submitter. Criteria: ACMG Guidelines, 2015. Collection method: clinical testing. Allele origin: germline.

SN ONGC Dept of Genetics and Molecular biology Vision Research Foundation
Classification: Likely pathogenic for Usher syndrome. Last evaluated: 2022-12-31. Review status: criteria provided, single submitter. Criteria: ACMG Guidelines, 2015. Collection method: research. Allele origin: unknown. Affected: yes. Observed: 1 variant allele, 1 heterozygote.

GeneDx
Classification: Likely benign. Last evaluated: 2020-11-11. Review status: criteria provided, single submitter. Criteria: GeneDx Variant Classification Process June 2021. Collection method: clinical testing. Allele origin: germline. Affected: yes.

Department of Pathology and Laboratory Medicine, Sinai Health System
Classification: Likely benign for Usher syndrome type 1G. Last evaluated: 2020-05-14. Review status: criteria provided, single submitter. Criteria: ACMG Guidelines, 2015. Collection method: research. Allele origin: germline.

Laboratory for Molecular Medicine, Mass General Brigham Personalized Medicine
Classification: Uncertain significance. Last evaluated: 2013-12-19. Review status: criteria provided, single submitter. Criteria: LMM Criteria. Collection method: clinical testing. Allele origin: germline. Observed: 1 variant allele.
Comment: The Lys239Asn variant in USH1G has not been previously reported in individuals w ith hearing loss or in large population studies. Computational analyses (bioche mical amino acid properties, conservation, AlignGVGD, PolyPhen2, and SIFT) do no t provide strong support for or against an impact to the protein. In summary, ad ditional information is needed to fully assess the clinical significance of this variant.